The following is an entry in ClinVar:

NM_007294.4(BRCA1):c.2571G>C (p.Leu857Phe)

Gene: BRCA1 (BRCA1 DNA repair associated; minus strand). Cytogenetic location: 17q21.31.
Variant type: single nucleotide variant.
Coding change: c.2571G>C on transcript NM_007294.4 (MANE Select); coding-DNA position 2571, G replaced by C.
Protein change: p.Leu857Phe; replaces leucine 857 with phenylalanine.
Molecular consequence: missense variant. On other transcripts: intron variant (137).
Genome position (GRCh38, 1-based): chr17:43,092,960, C>G on the plus strand (G>C on the coding strand, the complement: BRCA1 is on the minus strand). VCF-style: chr17-43092960-C-G. GRCh37 (hg19) VCF-style: chr17-41244977-C-G.
Other names: c.2568G>C, p.Leu856Phe (NM_001407611.1, NM_001407612.1, NM_001407613.1 and 22 more transcripts); c.2571G>C, p.Leu857Phe (NM_001407616.1, NM_001407617.1, NM_001407618.1 and 30 more transcripts); c.2358G>C, p.Leu786Phe (NM_001407571.1, NM_001407853.1, NM_001407894.1 and 9 more transcripts); c.2562G>C, p.Leu854Phe (NM_001407646.1, NM_001407647.1); c.2448G>C, p.Leu816Phe (NM_001407648.1, NM_001407664.1, NM_001407665.1 and 19 more transcripts); c.2445G>C, p.Leu815Phe (NM_001407649.1, NM_001407670.1, NM_001407671.1 and 11 more transcripts); c.2493G>C, p.Leu831Phe (NM_001407653.1, NM_001407654.1, NM_001407655.1 and 4 more transcripts); c.2490G>C, p.Leu830Phe (NM_001407659.1, NM_001407660.1, NM_001407661.1 and 1 more transcripts); and 41 more; short protein forms L561F, L786F, L809F, L810F, L815F, L831F, L729F, L730F.
Identifiers: ClinVar variation 4625659 (VCV004625659.1).

ClinVar aggregate classification (germline): Uncertain significance (1 of 4 stars; one submission).

Conditions:
Hereditary cancer-predisposing syndrome. Also called: Neoplastic Syndromes, Hereditary; Tumor predisposition; Hereditary Cancer Syndrome; Hereditary neoplastic syndrome. Identifiers: Orphanet 140162, MedGen C0027672, MeSH D009386, MONDO:0015356.

Submission:

Ambry Genetics
Classification: Uncertain significance for Hereditary cancer-predisposing syndrome. Last evaluated: 2025-11-27. Review status: criteria provided, single submitter. Criteria: Ambry Variant Classification Scheme 2023. Collection method: clinical testing. Allele origin: germline.
Comment: The p.L857F variant (also known as c.2571G>C), located in coding exon 9 of the BRCA1 gene, results from a G to C substitution at nucleotide position 2571. The leucine at codon 857 is replaced by phenylalanine, an amino acid with highly similar properties. This amino acid position is conserved. In addition, the in silico prediction for this alteration is inconclusive. Based on the available evidence, the clinical significance of this variant remains unclear.